The following is an entry in ClinVar:

ClinVar aggregate classification (germline): Likely pathogenic. Review status: criteria provided, multiple submitters, no conflicts (2 of 4 stars). 2 submissions from 2 submitters: Likely pathogenic (2). Last evaluated 2026-06-09.

Conditions:
Junctional epidermolysis bullosa. Identifiers: Orphanet 305, MedGen C0079301, MONDO:0017612.

Submissions (2):

Myriad Genetics, Inc.
Classification: Likely pathogenic for Junctional epidermolysis bullosa. Last evaluated: 2026-06-09. Review status: criteria provided, single submitter. Criteria: Myriad Autosomal Dominant, Autosomal Recessive and X-Linked Classification Criteria (2023). Collection method: clinical testing. Allele origin: unknown.
Comment: NM_000228.2(LAMB3):c.1485+1G>C is a variant in a canonical splice site classified as likely pathogenic in the context of junctional epidermolysis bullosa, LAMB3-related. c.1485+1G>C has not been observed in cases with relevant disease. Relevant functional assessments of this variant are not available in the literature. c.1485+1G>C has not been observed in referenced population frequency databases. In summary, NM_000228.2(LAMB3):c.1485+1G>C is a variant in a canonical splice site in a gene where loss of function is a known mechanism of disease and is predicted to disrupt protein function. Please note: this variant was assessed in the context of healthy population screening.

Labcorp Genetics (formerly Invitae), Labcorp
Classification: Likely pathogenic. Last evaluated: 2021-11-07. Review status: criteria provided, single submitter. Criteria: Invitae Variant Classification Sherloc (09022015). Collection method: clinical testing. Allele origin: germline.
Comment: Algorithms developed to predict the effect of sequence changes on RNA splicing suggest that this variant may disrupt the consensus splice site. This variant has not been reported in the literature in individuals affected with LAMB3-related conditions. In summary, the currently available evidence indicates that the variant is pathogenic, but additional data are needed to prove that conclusively. Therefore, this variant has been classified as Likely Pathogenic. This variant is not present in population databases (gnomAD no frequency). This sequence change affects a donor splice site in intron 12 of the LAMB3 gene. It is expected to disrupt RNA splicing. Variants that disrupt the donor or acceptor splice site typically lead to a loss of protein function (PMID: 16199547), and loss-of-function variants in LAMB3 are known to be pathogenic (PMID: 11023379, 16473856).

Literature cited by the submitters: PubMed 16199547 (cited by Labcorp Genetics (formerly Invitae), Labcorp); PubMed 11023379 (cited by Labcorp Genetics (formerly Invitae), Labcorp); PubMed 16473856 (cited by Labcorp Genetics (formerly Invitae), Labcorp).

NM_000228.3(LAMB3):c.1485+1G>C

Gene: LAMB3 (laminin subunit beta 3; minus strand). Cytogenetic location: 1q32.2.
Variant type: single nucleotide variant.
Coding change: c.1485+1G>C on transcript NM_000228.3 (MANE Select); the canonical splice donor site of the intron after coding-DNA position 1485, G replaced by C.
Molecular consequence: splice donor variant.
Genome position (GRCh38, 1-based): chr1:209,627,382, C>G on the plus strand (G>C on the coding strand, the complement: LAMB3 is on the minus strand). VCF-style: chr1-209627382-C-G. GRCh37 (hg19) VCF-style: chr1-209800727-C-G.
Other names: c.1485+1G>C (NM_001127641.1, NM_001017402.2).
Identifiers: ClinVar variation 1480506 (VCV001480506.7), dbSNP rs2102423955, ClinGen allele CA344590944.
Genomic context (GRCh38, chr1:209,627,382, plus strand): 5'-AGGCTGGTGCTCAGGACCCCCCTCCCACTGAGGGGGCCCCCGGACCACCCTCACTTCGTA[C>G]CTGGTTGCACTGTGGGCTGAGGGAGTTGTGCGGGTCGCAGGCACACGGTTCACAGCCCTG-3'